The following is an entry in ClinVar:

ClinVar aggregate classification (germline): Uncertain significance (1 of 4 stars; one submission).

Conditions:
Hypertrophic cardiomyopathy 19. Also called: Familial hypertrophic cardiomyopathy 19. Identifiers: MedGen CN077603, MONDO:0013476.

Allele frequency attached by ClinVar (database versions not stated): gnomAD 0.00001; gnomAD exomes 0.00002; ExAC 0.00004.

Submission:

Labcorp Genetics (formerly Invitae), Labcorp
Classification: Uncertain significance for Hypertrophic cardiomyopathy 19. Last evaluated: 2023-03-03. Review status: criteria provided, single submitter. Criteria: Invitae Variant Classification Sherloc (09022015). Collection method: clinical testing. Allele origin: germline.
Comment: In summary, the available evidence is currently insufficient to determine the role of this variant in disease. Therefore, it has been classified as a Variant of Uncertain Significance. Advanced modeling of protein sequence and biophysical properties (such as structural, functional, and spatial information, amino acid conservation, physicochemical variation, residue mobility, and thermodynamic stability) performed at Invitae indicates that this missense variant is not expected to disrupt CALR3 protein function. This variant has not been reported in the literature in individuals affected with CALR3-related conditions. This variant is present in population databases (rs556663033, gnomAD 0.02%). This sequence change replaces histidine, which is basic and polar, with tyrosine, which is neutral and polar, at codon 48 of the CALR3 protein (p.His48Tyr).

NM_145046.5(CALR3):c.142C>T (p.His48Tyr)

Gene: CALR3 (calreticulin 3; minus strand). Cytogenetic location: 19p13.11.
Variant type: single nucleotide variant.
Coding change: c.142C>T on transcript NM_145046.5 (MANE Select); coding-DNA position 142, C replaced by T.
Protein change: p.His48Tyr; replaces histidine 48 with tyrosine.
Molecular consequence: missense variant.
Genome position (GRCh38, 1-based): chr19:16,495,802, G>A on the plus strand (C>T on the coding strand, the complement: CALR3 is on the minus strand). VCF-style: chr19-16495802-G-A. GRCh37 (hg19) VCF-style: chr19-16606613-G-A.
Other names: short protein forms H48Y.
Identifiers: ClinVar variation 2902093 (VCV002902093.3), dbSNP rs556663033, ClinGen allele CA9278503.